The following is an entry in ClinVar:

ClinVar aggregate classification (germline): Pathogenic (1 of 4 stars; one submission).

Conditions:
Glycogen storage disease, type II (IOPD). Also called: Pompe Disease; CARDIOMEGALIA GLYCOGENICA DIFFUSA; GLYCOGENOSIS, GENERALIZED, CARDIAC FORM; GSD II; POMPE DISEASE, INFANTILE-ONSET; GLYCOGEN STORAGE DISEASE II, INFANTILE-ONSET. Identifiers: Orphanet 365, MedGen C0017921, MONDO:0009290, OMIM 232300.

Submission:

Genomenon, Inc
Classification: Pathogenic for Glycogen storage disease, type II. Last evaluated: 2026-07-01. Review status: criteria provided, single submitter. Criteria: Genomenon Sequence Variant Interpretation Standards - Updated. Collection method: curation. Allele origin: germline. Affected: yes.
Comment: GAA p.Gln839Ter (c.2515C>T) is a nonsense variant that introduces a premature stop codon at amino acid position 839 and is predicted to result in a truncated or absent protein product. This variant has been observed in at least one proband with a GAA-related disorder (PMID:31342611). It is absent or not present at a significant frequency in gnomAD. In conclusion, we classify GAA p.Gln839Ter (c.2515C>T) as a pathogenic variant.

Literature cited by the submitters: PubMed 31342611.

NM_000152.5(GAA):c.2515C>T (p.Gln839Ter)

Gene: GAA (alpha glucosidase; plus strand). Cytogenetic location: 17q25.3.
Variant type: single nucleotide variant.
Coding change: c.2515C>T on transcript NM_000152.5 (MANE Select); coding-DNA position 2515, C replaced by T.
Protein change: p.Gln839Ter; replaces glutamine 839 with a stop codon.
Molecular consequence: nonsense.
Genome position (GRCh38, 1-based): chr17:80,118,226, C>T. VCF-style: chr17-80118226-C-T. GRCh37 (hg19) VCF-style: chr17-78092025-C-T.
Other names: c.2515C>T, p.Gln839Ter (NM_001079803.3, NM_001079804.3, NM_001406741.1 and 1 more transcripts); short protein forms Q839*.
Identifiers: ClinVar variation 4876660 (VCV004876660.1).
Genomic context (GRCh38, chr17:80,118,226, plus strand): 5'-TGACATCACGTGTCCTTCCCTTTCCAGGGCCCTGGCCTCACAACCACAGAGTCCCGCCAG[C>T]AGCCCATGGCCCTGGCTGTGGCCCTGACCAAGGGTGGGGAGGCCCGAGGGGAGCTGTTCT-3'